The following is an entry in ClinVar:

NM_000096.4(CP):c.181G>T (p.Asp61Tyr)

Gene: CP (ceruloplasmin; minus strand). Cytogenetic location: 3q25.1.
Variant type: single nucleotide variant.
Coding change: c.181G>T on transcript NM_000096.4 (MANE Select); coding-DNA position 181, G replaced by T.
Protein change: p.Asp61Tyr; replaces aspartic acid 61 with tyrosine.
Molecular consequence: missense variant. On other transcripts: non-coding transcript variant (1).
Genome position (GRCh38, 1-based): chr3:149,212,664, C>A on the plus strand (G>T on the coding strand, the complement: CP is on the minus strand). VCF-style: chr3-149212664-C-A. GRCh37 (hg19) VCF-style: chr3-148930451-C-A.
Other names: p.Asp61Tyr; short protein forms D61Y.
Identifiers: ClinVar variation 2157586 (VCV002157586.5), dbSNP rs1576783306, ClinGen allele CA354920423.
Genomic context (GRCh38, chr3:149,212,664, plus strand): 5'-TAAAGGTTTCATCTGTGTACTGAAGATAAAGGGCCTTCTTATATAGTCTCCCAATTCTAT[C>A]TGGGCCATTTTGAAGATAGATATTGGAATGTTCCCTGCAAAGAAAAACAAGACAACTCTA-3'
Protein context (NP_000087.2, residues 51-71): HSNIYLQNGP[Asp61Tyr]RIGRLYKKAL

ClinVar aggregate classification (germline): Uncertain significance. Review status: criteria provided, multiple submitters, no conflicts (2 of 4 stars). 2 submissions from 2 submitters: Uncertain significance (2). Last evaluated 2024-03-18.

Conditions:
Deficiency of ferroxidase (ACEP). Also called: Ceruloplasmin deficiency; Familial apoceruloplasmin deficiency; Hereditary ceruloplasmin deficiency; Deficiency of ceruloplasmin; NEURODEGENERATION WITH BRAIN IRON ACCUMULATION 10; Aceruloplasminemia. Identifiers: Orphanet 48818, MedGen C0878682, MONDO:0011426, OMIM 604290, HP:0025498.

Allele frequency attached by ClinVar (database versions not stated): gnomAD exomes 0.00001.
gnomAD v4.1: 13 of 1,613,832 alleles (0.00081%); highest among the groups gnomAD compares: Non-Finnish European, 0.001%; no homozygotes.

Submissions (2):

Mayo Clinic Laboratories, Mayo Clinic
Classification: Uncertain significance. Last evaluated: 2024-03-18. Review status: criteria provided, single submitter. Criteria: ACMG Guidelines, 2015. Collection method: clinical testing. Allele origin: germline. Observed: 1 variant allele.
Comment: PM2

Labcorp Genetics (formerly Invitae), Labcorp
Classification: Uncertain significance for Deficiency of ferroxidase. Last evaluated: 2023-08-04. Review status: criteria provided, single submitter. Criteria: Invitae Variant Classification Sherloc (09022015). Collection method: clinical testing. Allele origin: germline.
Comment: This variant has not been reported in the literature in individuals affected with CP-related conditions. This variant is not present in population databases (gnomAD no frequency). This sequence change replaces aspartic acid, which is acidic and polar, with tyrosine, which is neutral and polar, at codon 61 of the CP protein (p.Asp61Tyr). ClinVar contains an entry for this variant (Variation ID: 2157586). In summary, the available evidence is currently insufficient to determine the role of this variant in disease. Therefore, it has been classified as a Variant of Uncertain Significance. Advanced modeling of protein sequence and biophysical properties (such as structural, functional, and spatial information, amino acid conservation, physicochemical variation, residue mobility, and thermodynamic stability) performed at Invitae indicates that this missense variant is not expected to disrupt CP protein function.